The following is an entry in ClinVar:

ClinVar aggregate classification (germline): Pathogenic (1 of 4 stars; one submission).

Conditions:
Autosomal recessive limb-girdle muscular dystrophy type 2B (LGMDR2). Also called: MUSCULAR DYSTROPHY, LIMB-GIRDLE, TYPE 3; MUSCULAR DYSTROPHY, LIMB-GIRDLE, AUTOSOMAL RECESSIVE 2; Limb-girdle muscular dystrophy, type 2B; Limb-Girdle Muscular Dystrophy Type 2B (LGMD2B). Identifiers: Orphanet 268, MedGen C1850889, MONDO:0009676, OMIM 253601.

Submission:

Division of Neurology, Stellenbosch University
Classification: Pathogenic for Autosomal recessive limb-girdle muscular dystrophy type 2B. Last evaluated: 2026-05-04. Review status: criteria provided, single submitter. Criteria: ACMG Guidelines, 2015. Collection method: research. Allele origin: germline. Inheritance: Autosomal recessive inheritance. Affected: yes. Observed: 1 variant allele.
Comment: PVS1_Very Strong: Null variant (frame-shift), predicted to cause NMD. Loss-of-function is a known mechanism of disease; PM2_Supporting: absent from gnomAD v4.1; PM3_Supporting: Detected together with a pathogenic variant (NM_003494.4(DYSF):c.4299C>G), phase unknown.

NM_001130987.2(DYSF):c.3550_3562del (p.Ala1184fs)

Gene: DYSF (dysferlin; plus strand). Cytogenetic location: 2p13.2.
Variant type: Deletion.
Coding change: c.3550_3562del on transcript NM_001130987.2 (MANE Select); coding-DNA positions 3550 to 3562, 13 bases deleted (GCGATGGACAAGG).
Protein change: p.Ala1184fs; shifts the reading frame from alanine 1184.
Molecular consequence: frameshift variant.
Genome position (GRCh38, 1-based): chr2:71,590,264-71,590,276, GCGATGGACAAGG deleted. VCF-style (leftmost placement, unchanged base first): chr2-71590263-TGCGATGGACAAGG-T. GRCh37 (hg19) VCF-style: chr2-71817393-TGCGATGGACAAGG-T.
Other names: c.3499_3511del, p.Ala1167fs (NM_001130455.2, NM_001130983.2); c.3454_3466del, p.Ala1152fs (NM_001130976.2, NM_001130977.2); c.3496_3508del, p.Ala1166fs (NM_001130978.2, NM_003494.4); c.3589_3601del, p.Ala1197fs (NM_001130979.2); c.3547_3559del, p.Ala1183fs (NM_001130980.2, NM_001130981.2); c.3592_3604del, p.Ala1198fs (NM_001130982.2); c.3457_3469del, p.Ala1153fs (NM_001130984.2, NM_001130986.2); c.3550_3562del, p.Ala1184fs (NM_001130985.2); short protein forms A1152fs, A1153fs, A1166fs, A1167fs, A1183fs, A1184fs, A1197fs, A1198fs.
Identifiers: ClinVar variation 4850488 (VCV004850488.1).